The following is an entry in ClinVar:

NM_015272.5(RPGRIP1L):c.2773G>A (p.Gly925Arg)

Gene: RPGRIP1L (RPGRIP1 like; minus strand). Cytogenetic location: 16q12.2.
Variant type: single nucleotide variant.
Coding change: c.2773G>A on transcript NM_015272.5 (MANE Select); coding-DNA position 2773, G replaced by A.
Protein change: p.Gly925Arg; replaces glycine 925 with arginine.
Molecular consequence: missense variant.
Genome position (GRCh38, 1-based): chr16:53,641,386, C>T on the plus strand (G>A on the coding strand, the complement: RPGRIP1L is on the minus strand). VCF-style: chr16-53641386-C-T. GRCh37 (hg19) VCF-style: chr16-53675298-C-T.
Other names: c.2773G>A, p.Gly925Arg (NM_001127897.4, NM_001308334.3, NM_001330538.2); short protein forms G925R.
Identifiers: ClinVar variation 1486053 (VCV001486053.6), dbSNP rs2151059471, ClinGen allele CA395927314.
Genomic context (GRCh38, chr16:53,641,386, plus strand): 5'-GAACAACTTCTGGCTCTTCGCTGCGAATGAAATTTCCTAAGTCTTCAGTTGTTATTGATC[C>T]ACTTGGTGGAAGGTAAGCAAATTTCCATTTCAATATAACATGGATGGTGCCAGCAGGATG-3'
Protein context (NP_056087.2, residues 915-935): KWKFAYLPPS[Gly925Arg]SITTEDLGNF

ClinVar aggregate classification (germline): Uncertain significance (1 of 4 stars; one submission).

Conditions:
Meckel-Gruber syndrome. Also called: DYSENCEPHALIA SPLANCHNOCYSTICA; GRUBER SYNDROME; Dysencephalia splachnocystica. Identifiers: Orphanet 564, MedGen C0265215, MONDO:0018921.
Joubert syndrome. Also called: CEREBELLOPARENCHYMAL DISORDER IV; JOUBERT-BOLTSHAUSER SYNDROME; Familial aplasia of the vermis. Identifiers: Orphanet 475, MedGen C5979921, MONDO:0018772.

Submission:

Labcorp Genetics (formerly Invitae), Labcorp
Classification: Uncertain significance for Joubert syndrome; Meckel-Gruber syndrome. Last evaluated: 2022-11-08. Review status: criteria provided, single submitter. Criteria: Invitae Variant Classification Sherloc (09022015). Collection method: clinical testing. Allele origin: germline.
Comment: This sequence change replaces glycine, which is neutral and non-polar, with arginine, which is basic and polar, at codon 925 of the RPGRIP1L protein (p.Gly925Arg). This variant is not present in population databases (gnomAD no frequency). Advanced modeling of protein sequence and biophysical properties (such as structural, functional, and spatial information, amino acid conservation, physicochemical variation, residue mobility, and thermodynamic stability) performed at Invitae indicates that this missense variant is not expected to disrupt RPGRIP1L protein function. ClinVar contains an entry for this variant (Variation ID: 1486053). This variant has not been reported in the literature in individuals affected with RPGRIP1L-related conditions. In summary, the available evidence is currently insufficient to determine the role of this variant in disease. Therefore, it has been classified as a Variant of Uncertain Significance.